The following is an entry in ClinVar:

NC_000005.10:g.(?_78964406)_(78969202_?)del

Gene: ARSB (arylsulfatase B; minus strand). Cytogenetic location: 5q14.1.
Variant type: Deletion.
Identifiers: ClinVar variation 831749 (VCV000831749.2).

ClinVar aggregate classification (germline): Pathogenic (1 of 4 stars; one submission).

Conditions:
Mucopolysaccharidosis type 6 (MPS6). Also called: ARYLSULFATASE B DEFICIENCY; MPS 6; Maroteaux Lamy syndrome; N-ACETYLGALACTOSAMINE-4-SULFATASE DEFICIENCY; MPS VI; ARSB DEFICIENCY. Identifiers: Orphanet 583, MedGen C0026709, MONDO:0009661, OMIM 253200.

Submission:

Labcorp Genetics (formerly Invitae), Labcorp
Classification: Pathogenic for Mucopolysaccharidosis type 6. Last evaluated: 2022-08-01. Review status: criteria provided, single submitter. Criteria: Invitae Variant Classification Sherloc (09022015). Collection method: clinical testing. Allele origin: germline.
Comment: This variant is a gross deletion of the genomic region encompassing exon(s) 2-3 of the ARSB gene. This variant would be expected to be in-frame, preserving the integrity of the reading frame. A similar copy number variant has been observed in individual(s) with mucopolysaccharidosis type VI (PMID: 25190157, 27797586). This variant disrupts the p.Tyr210 amino acid residue in ARSB. Other variant(s) that disrupt this residue have been determined to be pathogenic (PMID: 8651289, 11939792, 17458871, 21514195, 23557332, 24221504). This suggests that this residue is clinically significant, and that variants that disrupt this residue are likely to be disease-causing. For these reasons, this variant has been classified as Pathogenic.

Literature cited by the submitters: PubMed 25190157; PubMed 27797586; PubMed 8651289; PubMed 11939792; PubMed 17458871; PubMed 21514195; PubMed 23557332; PubMed 24221504.